The following is an entry in ClinVar:

NM_000057.4(BLM):c.3803A>T (p.Glu1268Val)

Gene: BLM (BLM RecQ like helicase; plus strand). Cytogenetic location: 15q26.1.
Variant type: single nucleotide variant.
Coding change: c.3803A>T on transcript NM_000057.4 (MANE Select); coding-DNA position 3803, A replaced by T.
Protein change: p.Glu1268Val; replaces glutamic acid 1268 with valine.
Molecular consequence: missense variant.
Genome position (GRCh38, 1-based): chr15:90,809,188, A>T. VCF-style: chr15-90809188-A-T. GRCh37 (hg19) VCF-style: chr15-91352418-A-T.
Other names: c.3803A>T, p.Glu1268Val (NM_001287246.2); c.3410A>T, p.Glu1137Val (NM_001287247.2); c.2678A>T, p.Glu893Val (NM_001287248.2); c.3803A>T (NM_000057.2); short protein forms E1268V, E1137V, E893V.
Identifiers: ClinVar variation 838213 (VCV000838213.11), dbSNP rs1897348799, ClinGen allele CA393849693.
Genomic context (GRCh38, chr15:90,809,188, plus strand): 5'-TTTGCACAGAATCTTTATCTTCTGATCCTGAGGTTTTGCTTCAAATTGATGGTGTTACTG[A>T]AGACAAACTGGAAAAATATGGTGCGGAAGTGATTTCAGTATTACAGAAATACTCTGAATG-3'
Protein context (NP_000048.1, residues 1258-1278): EVLLQIDGVT[Glu1268Val]DKLEKYGAEV

ClinVar aggregate classification (germline): Uncertain significance. Review status: criteria provided, multiple submitters, no conflicts (2 of 4 stars). 5 submissions from 5 submitters: Uncertain significance (4). 1 of the submissions does not count toward it. Last evaluated 2025-09-27.

Conditions:
Bloom syndrome (BLM). Also called: Bloom-Torre-Machacek syndrome. Identifiers: Orphanet 125, MedGen C0005859, MONDO:0008876, OMIM 210900.
Hereditary cancer-predisposing syndrome. Also called: Neoplastic Syndromes, Hereditary; Tumor predisposition; Hereditary neoplastic syndrome; Hereditary Cancer Syndrome. Identifiers: Orphanet 140162, MedGen C0027672, MeSH D009386, MONDO:0015356.

Allele frequency attached by ClinVar (database versions not stated): gnomAD exomes 0.00001.
gnomAD v4.1: 4 of 1,614,176 alleles (0.00025%); highest among the groups gnomAD compares: Middle Eastern, 0.016%; no homozygotes.

Submissions (5):

Labcorp Genetics (formerly Invitae), Labcorp
Classification: Uncertain significance for Bloom syndrome. Last evaluated: 2025-09-27. Review status: criteria provided, single submitter. Criteria: Invitae Variant Classification Sherloc (09022015). Collection method: clinical testing. Allele origin: germline.
Comment: This sequence change replaces glutamic acid, which is acidic and polar, with valine, which is neutral and non-polar, at codon 1268 of the BLM protein (p.Glu1268Val). This variant is not present in population databases (gnomAD no frequency). This variant has not been reported in the literature in individuals affected with BLM-related conditions. ClinVar contains an entry for this variant (Variation ID: 838213). Invitae Evidence Modeling of protein sequence and biophysical properties (such as structural, functional, and spatial information, amino acid conservation, physicochemical variation, residue mobility, and thermodynamic stability) indicates that this missense variant is not expected to disrupt BLM protein function with a negative predictive value of 80%. In summary, the available evidence is currently insufficient to determine the role of this variant in disease. Therefore, it has been classified as a Variant of Uncertain Significance.

Quest Diagnostics Nichols Institute San Juan Capistrano
Classification: Uncertain significance. Last evaluated: 2024-11-08. Review status: criteria provided, single submitter. Criteria: Quest Diagnostics criteria. Collection method: clinical testing. Allele origin: unknown.
Comment: The BLM c.3803A>T (p.Glu1268Val) variant has not been reported in individuals with BLM-related conditions in the published literature. It also has not been reported in large, multi-ethnic general populations (Genome Aggregation Database). Analysis of this variant using bioinformatics tools for the prediction of the effect of amino acid changes on protein structure and function yielded predictions that this variant is damaging. Based on the available information, we are unable to determine the clinical significance of this variant.

GeneDx
Classification: Uncertain significance. Last evaluated: 2024-07-03. Review status: criteria provided, single submitter. Criteria: GeneDx Variant Classification Process June 2021. Collection method: clinical testing. Allele origin: germline. Affected: yes.
Comment: Not observed at significant frequency in large population cohorts (gnomAD); In silico analysis supports that this missense variant has a deleterious effect on protein structure/function; Has not been previously published as pathogenic or benign to our knowledge

Ambry Genetics
Classification: Uncertain significance for Hereditary cancer-predisposing syndrome. Last evaluated: 2024-03-22. Review status: criteria provided, single submitter. Criteria: Ambry Variant Classification Scheme 2023. Collection method: clinical testing. Allele origin: germline.
Comment: The p.E1268V variant (also known as c.3803A>T), located in coding exon 19 of the BLM gene, results from an A to T substitution at nucleotide position 3803. The glutamic acid at codon 1268 is replaced by valine, an amino acid with dissimilar properties. This amino acid position is conserved. In addition, this alteration is predicted to be deleterious by in silico analysis. Based on the available evidence, the clinical significance of this alteration remains unclear.

Natera, Inc.
Classification: Uncertain significance for Bloom syndrome. Last evaluated: 2020-09-16. Review status: no assertion criteria provided. Collection method: clinical testing. Allele origin: germline. Not counted in ClinVar's aggregate classification.